The following is an entry in ClinVar:

NM_016507.4(CDK12):c.3869C>G (p.Pro1290Arg)

Gene: CDK12 (cyclin dependent kinase 12; plus strand). Cytogenetic location: 17q12.
Variant type: single nucleotide variant.
Coding change: c.3869C>G on transcript NM_016507.4 (MANE Select); coding-DNA position 3869, C replaced by G.
Protein change: p.Pro1290Arg; replaces proline 1290 with arginine.
Molecular consequence: missense variant.
Genome position (GRCh38, 1-based): chr17:39,530,712, C>G. VCF-style: chr17-39530712-C-G. GRCh37 (hg19) VCF-style: chr17-37686965-C-G.
Other names: c.3842C>G, p.Pro1281Arg (NM_015083.4); short protein forms P1281R, P1290R.
Identifiers: ClinVar variation 3999376 (VCV003999376.1).

ClinVar aggregate classification (germline): Uncertain significance (1 of 4 stars; one submission).

Submission:

Ambry Genetics
Classification: Uncertain significance. Last evaluated: 2025-04-19. Review status: criteria provided, single submitter. Criteria: Ambry Variant Classification Scheme 2023. Collection method: clinical testing. Allele origin: germline.
Comment: The p.P1290R variant (also known as c.3869C>G), located in coding exon 14 of the CDK12 gene, results from a C to G substitution at nucleotide position 3869. The proline at codon 1290 is replaced by arginine, an amino acid with dissimilar properties. This amino acid position is conserved. In addition, this alteration is predicted to be tolerated by in silico analysis. Based on the available evidence, the clinical significance of this variant remains unclear.